The following is an entry in ClinVar:

NM_000548.5(TSC2):c.4727C>T (p.Thr1576Met)

Gene: TSC2 (TSC complex subunit 2; plus strand). Cytogenetic location: 16p13.3.
Variant type: single nucleotide variant.
Coding change: c.4727C>T on transcript NM_000548.5 (MANE Select); coding-DNA position 4727, C replaced by T.
Protein change: p.Thr1576Met; replaces threonine 1576 with methionine.
Molecular consequence: missense variant.
Genome position (GRCh38, 1-based): chr16:2,086,257, C>T. VCF-style: chr16-2086257-C-T. GRCh37 (hg19) VCF-style: chr16-2136258-C-T.
Other names: c.4526C>T, p.Thr1509Met (NM_001077183.3); c.4658C>T, p.Thr1553Met (NM_001114382.3); c.4418C>T, p.Thr1473Met (NM_001318827.2); c.4382C>T, p.Thr1461Met (NM_001318829.2); c.3995C>T, p.Thr1332Met (NM_001318831.2); c.4559C>T, p.Thr1520Met (NM_001318832.2); c.4529C>T, p.Thr1510Met (NM_001363528.2); c.4595C>T, p.Thr1532Met (NM_001370404.1); and 2 more; short protein forms T1576M, T1509M, T1532M, T1533M, T1473M, T1510M, T1332M, T1553M.
Identifiers: ClinVar variation 49317 (VCV000049317.23), dbSNP rs45437192, ClinGen allele CA020954.

ClinVar aggregate classification (germline): Conflicting classifications of pathogenicity. Review status: criteria provided, conflicting classifications (1 of 4 stars). 9 submissions from 9 submitters: Uncertain significance (2); Benign (1); Likely benign (4). 2 of the submissions do not count toward it. Last evaluated 2026-02-02.

Conditions:
TSC2-related disorder. Also called: TSC2-related condition; TSC2-Related Disorders.
Tuberous sclerosis syndrome (TSC). Also called: Tuberous Sclerosis Complex; Tuberous sclerosis. Identifiers: Orphanet 805, MedGen C0041341, MONDO:0001734.
Hereditary cancer-predisposing syndrome. Also called: Neoplastic Syndromes, Hereditary; Tumor predisposition; Hereditary Cancer Syndrome; Hereditary neoplastic syndrome. Identifiers: Orphanet 140162, MedGen C0027672, MeSH D009386, MONDO:0015356.
Tuberous sclerosis 2 (TSC2). Identifiers: Orphanet 805, MedGen C1860707, MONDO:0013199, OMIM 613254.

gnomAD v4.1: 19 of 1,612,570 alleles (0.0012%); highest among the groups gnomAD compares: South Asian, 0.0088%; no homozygotes.

Submissions (9):

Labcorp Genetics (formerly Invitae), Labcorp
Classification: Likely benign for Tuberous sclerosis 2. Last evaluated: 2026-02-02. Review status: criteria provided, single submitter. Criteria: Invitae Variant Classification Sherloc (09022015). Collection method: clinical testing. Allele origin: germline.

Color Diagnostics, LLC DBA Color Health
Classification: Uncertain significance for Tuberous sclerosis syndrome. Last evaluated: 2025-10-13. Review status: criteria provided, single submitter. Criteria: ACMG Guidelines, 2015. Collection method: clinical testing. Allele origin: germline.
Comment: This missense variant replaces threonine with methionine at codon 1576 of the TSC2 protein. Computational prediction suggests that this variant may have deleterious impact on protein structure and function. To our knowledge, functional studies have not been reported for this variant. This variant has not been reported in individuals affected with TSC2-related disorders in the literature. This variant has been identified in 19/1612570 chromosomes in the general population by the Genome Aggregation Database (gnomAD). The available evidence is insufficient to determine the role of this variant in disease conclusively. Therefore, this variant is classified as a Variant of Uncertain Significance.

Myriad Genetics, Inc.
Classification: Likely benign for Tuberous sclerosis 2. Last evaluated: 2024-08-23. Review status: criteria provided, single submitter. Criteria: Myriad Autosomal Dominant, Autosomal Recessive and X-Linked Classification Criteria (2023). Collection method: clinical testing. Allele origin: unknown.
Comment: This variant is considered likely benign. This variant has been observed at a population frequency that is significantly greater than expected given the associated disease prevalence and penetrance.

All of Us Research Program, National Institutes of Health
Classification: Uncertain significance for Tuberous sclerosis syndrome. Last evaluated: 2023-11-20. Review status: criteria provided, single submitter. Criteria: ACMG Guidelines, 2015. Collection method: clinical testing. Allele origin: germline. Inheritance: Autosomal dominant inheritance. Observed: 1 variant allele, 1 heterozygote.
Comment: This missense variant replaces threonine with methionine at codon 1576 of the TSC2 protein. Computational prediction suggests that this variant may have deleterious impact on protein structure and function (internally defined REVEL score threshold >= 0.7, PMID: 27666373). To our knowledge, functional studies have not been reported for this variant. This variant has not been reported in individuals affected with TSC2-related disorders in the literature. This variant has been identified in 6/249950 chromosomes in the general population by the Genome Aggregation Database (gnomAD). The available evidence is insufficient to determine the role of this variant in disease conclusively. Therefore, this variant is classified as a Variant of Uncertain Significance.

This study involves interpretation of variants in research participants for the purpose of population health screening. Participant phenotype was not available at the time of variant classification. Additional details can be found in publication PMID: 35346344, PMCID: PMC8962531

Ambry Genetics
Classification: Benign for Hereditary cancer-predisposing syndrome. Last evaluated: 2023-08-29. Review status: criteria provided, single submitter. Criteria: Ambry Variant Classification Scheme 2023. Collection method: clinical testing. Allele origin: germline.

Genome-Nilou Lab
Classification: Likely benign for Tuberous sclerosis 2. Last evaluated: 2021-11-07. Review status: criteria provided, single submitter. Criteria: ACMG Guidelines, 2015. Collection method: clinical testing. Allele origin: germline. Affected: no.

GeneDx
Classification: Likely benign. Last evaluated: 2020-04-02. Review status: criteria provided, single submitter. Criteria: GeneDx Variant Classification Process June 2021. Collection method: clinical testing. Allele origin: germline. Affected: yes.
Comment: This variant is associated with the following publications: (PMID: 23514105)

PreventionGenetics, part of Exact Sciences
Classification: Uncertain significance for TSC2-related condition. Last evaluated: 2024-08-18. Review status: no assertion criteria provided. Collection method: clinical testing. Allele origin: germline. Not counted in ClinVar's aggregate classification.
Comment: The TSC2 c.4727C>T variant is predicted to result in the amino acid substitution p.Thr1576Met. To our knowledge, this variant has not been reported in the literature. This variant is reported in 0.020% of alleles in individuals of South Asian descent in gnomAD, which may be too common to be a primary cause of disease. This variant has conflicting interpretations of pathogenicity in ClinVar ranging from benign to uncertain significance. While we suspect this variant may be benign, at this time, the clinical significance of this variant is uncertain due to the absence of conclusive functional and genetic evidence.

Tuberous sclerosis database (TSC2)
No classification provided. Condition: TSC. Review status: no classification provided. Criteria: Tuberous Sclerosis Database Assertion Criteria 2015. Collection method: curation. Allele origin: germline. Affected: yes. Not counted in ClinVar's aggregate classification.

Literature cited by the submitters: PubMed 23514105 (cited by Ambry Genetics).